The following is an entry in ClinVar:

NM_002691.4(POLD1):c.971-19G>A

Gene: POLD1 (DNA polymerase delta 1, catalytic subunit; plus strand). Cytogenetic location: 19q13.33.
Variant type: single nucleotide variant.
Coding change: c.971-19G>A on transcript NM_002691.4 (MANE Select); 19 bases into the intron before coding-DNA position 971, G replaced by A.
Molecular consequence: intron variant.
Genome position (GRCh38, 1-based): chr19:50,403,034, G>A. VCF-style: chr19-50403034-G-A. GRCh37 (hg19) VCF-style: chr19-50906291-G-A.
Other names: c.971-19G>A (LRG_785t2, LRG_785t1, NM_001308632.1 and 1 more transcripts).
Identifiers: ClinVar variation 246155 (VCV000246155.14), dbSNP rs56022846, ClinGen allele CA9595992.

ClinVar aggregate classification (germline): Benign/Likely benign. Review status: criteria provided, multiple submitters, no conflicts (2 of 4 stars). 6 submissions from 6 submitters: Benign (2); Likely benign (3). 1 of the submissions does not count toward it. Last evaluated 2026-03-05.

Conditions:
POLD1-related polyposis and colorectal cancer syndrome (CRCS10). Also called: COLORECTAL CANCER, SUSCEPTIBILITY TO, ON CHROMOSOME 19q; Colorectal cancer 10; Colorectal cancer, susceptibility to, 10. Identifiers: Orphanet 220460, MedGen C2675481, MONDO:0012953, OMIM 612591.

Allele frequency attached by ClinVar (database versions not stated): gnomAD exomes 0.00011 and 0.00024; 1000 Genomes Project 0.00060; ExAC 0.00061; 1000 Genomes Project 30x 0.00062; gnomAD 0.00089; TOPMed 0.00108; ESP Exome Variant Server 0.00111.
gnomAD v4.1: 301 of 1,552,782 alleles (0.019%); highest among the groups gnomAD compares: African/African-American, 0.36%; no homozygotes.

Submissions (6):

Myriad Genetics, Inc.
Classification: Benign for POLD1-related polyposis and colorectal cancer syndrome. Last evaluated: 2026-03-05. Review status: criteria provided, single submitter. Criteria: Myriad Autosomal Dominant, Autosomal Recessive and X-Linked Classification Criteria (2023). Collection method: clinical testing. Allele origin: unknown.
Comment: This variant is considered benign. This variant is intronic and is not expected to impact mRNA splicing. This variant has been observed at a population frequency that is significantly greater than expected given the associated disease prevalence and penetrance.

Labcorp Genetics (formerly Invitae), Labcorp
Classification: Benign for POLD1-related polyposis and colorectal cancer syndrome. Last evaluated: 2026-02-03. Review status: criteria provided, single submitter. Criteria: Invitae Variant Classification Sherloc (09022015). Collection method: clinical testing. Allele origin: germline.

Blueprint Genetics
Classification: Likely benign. Last evaluated: 2024-11-13. Review status: criteria provided, single submitter. Criteria: ACMG Guidelines, 2015. Collection method: clinical testing. Allele origin: germline.

GeneDx
Classification: Likely benign. Last evaluated: 2017-10-13. Review status: criteria provided, single submitter. Criteria: GeneDx Variant Classification (06012015). Collection method: clinical testing. Allele origin: germline. Affected: yes.
Comment: This variant is considered likely benign or benign based on one or more of the following criteria: it is a conservative change, it occurs at a poorly conserved position in the protein, it is predicted to be benign by multiple in silico algorithms, and/or has population frequency not consistent with disease.

PreventionGenetics, part of Exact Sciences
Classification: Likely benign. Last evaluated: 2016-11-09. Review status: criteria provided, single submitter. Criteria: ACMG Guidelines, 2015. Collection method: clinical testing. Allele origin: germline.

Counsyl
Classification: Likely benign for POLD1-related polyposis and colorectal cancer syndrome. Last evaluated: 2016-08-22. Review status: no assertion criteria provided. Collection method: clinical testing. Allele origin: unknown. Not counted in ClinVar's aggregate classification.